The following is an entry in ClinVar:

NM_024664.4(PPCS):c.219C>G (p.Phe73Leu)

Genes: CCDC30 (coiled-coil domain containing 30; plus strand), PPCS (phosphopantothenoylcysteine synthetase; plus strand), LOC129930344 (ATAC-STARR-seq lymphoblastoid active region 894; plus strand). Cytogenetic location: 1p34.2.
Variant type: single nucleotide variant.
Coding change: c.219C>G on transcript NM_024664.4 (MANE Select); coding-DNA position 219, C replaced by G.
Protein change: p.Phe73Leu; replaces phenylalanine 73 with leucine.
Molecular consequence: missense variant. On other transcripts: 5 prime UTR variant (1), intron variant (6).
Genome position (GRCh38, 1-based): chr1:42,456,784, C>G. VCF-style: chr1-42456784-C-G. GRCh37 (hg19) VCF-style: chr1-42922455-C-G.
Other names: c.-474C>G (NM_001287510.2); c.219C>G, p.Phe73Leu (NM_001287511.2); c.-984+285C>G (NM_001355226.2); c.-328+285C>G (NM_001287507.1); c.-12+285C>G (NM_001287506.1); c.-12+60C>G (NM_001287508.2); c.-12+156C>G (NM_001077447.3); c.-12+201C>G (NM_001287509.2); short protein forms F73L.
Identifiers: ClinVar variation 1960566 (VCV001960566.5), dbSNP rs757977114, ClinGen allele CA339944254.

ClinVar aggregate classification (germline): Uncertain significance (1 of 4 stars; one submission).

gnomAD v4.1: 1 of 1,613,060 alleles (0.000062%); highest among the groups gnomAD compares: African/African-American, 0.0013%; no homozygotes.

Submission:

Labcorp Genetics (formerly Invitae), Labcorp
Classification: Uncertain significance. Last evaluated: 2022-03-25. Review status: criteria provided, single submitter. Criteria: Invitae Variant Classification Sherloc (09022015). Collection method: clinical testing. Allele origin: germline.
Comment: Algorithms developed to predict the effect of missense changes on protein structure and function (SIFT, PolyPhen-2, Align-GVGD) all suggest that this variant is likely to be tolerated. In summary, the available evidence is currently insufficient to determine the role of this variant in disease. Therefore, it has been classified as a Variant of Uncertain Significance. This sequence change replaces phenylalanine, which is neutral and non-polar, with leucine, which is neutral and non-polar, at codon 73 of the PPCS protein (p.Phe73Leu). This variant is not present in population databases (gnomAD no frequency). This variant has not been reported in the literature in individuals affected with PPCS-related conditions.